The following is an entry in ClinVar:

NM_003803.4(MYOM1):c.2383C>G (p.Arg795Gly)

Gene: MYOM1 (myomesin 1; minus strand). Cytogenetic location: 18p11.31.
Variant type: single nucleotide variant.
Coding change: c.2383C>G on transcript NM_003803.4 (MANE Select); coding-DNA position 2383, C replaced by G.
Protein change: p.Arg795Gly; replaces arginine 795 with glycine.
Molecular consequence: missense variant.
Genome position (GRCh38, 1-based): chr18:3,134,651, G>C on the plus strand (C>G on the coding strand, the complement: MYOM1 is on the minus strand). VCF-style: chr18-3134651-G-C. GRCh37 (hg19) VCF-style: chr18-3134649-G-C.
Other names: c.2383C>G, p.Arg795Gly (NM_019856.2); short protein forms R795G.
Identifiers: ClinVar variation 229019 (VCV000229019.12), dbSNP rs201618512, ClinGen allele CA8874667.
Genomic context (GRCh38, chr18:3,134,651, plus strand): 5'-GTATGTGTCTATGGCAGCTCCAGAGGCCATTGCCCGCCCTGCACACCCGACTGAGTTACC[G>C]TGAGCCCTTCACGGGGTTGTTGTTACAGGGCTCCCACTTGCCAGAGCCAGCAACGCTCGC-3'
Protein context (NP_003794.3, residues 785-805): PCNNNPVKGS[Arg795Gly]FTCHGLVTGQ

ClinVar aggregate classification (germline): Uncertain significance. Review status: criteria provided, multiple submitters, no conflicts (2 of 4 stars). 3 submissions from 3 submitters: Uncertain significance (3). Last evaluated 2026-01-15.

Conditions:
Hypertrophic cardiomyopathy. Also called: HYPERTROPHIC MYOCARDIOPATHY. Identifiers: Orphanet 217569, MedGen C0007194, MeSH D002312, MONDO:0005045, HP:0001639.

Allele frequency attached by ClinVar (database versions not stated): TOPMed 0.00005.
gnomAD v4.1: 147 of 1,610,404 alleles (0.0091%); highest among the groups gnomAD compares: Non-Finnish European, 0.012%; no homozygotes.

Submissions (3):

Labcorp Genetics (formerly Invitae), Labcorp
Classification: Uncertain significance for Hypertrophic cardiomyopathy. Last evaluated: 2026-01-15. Review status: criteria provided, single submitter. Criteria: Invitae Variant Classification Sherloc (09022015). Collection method: clinical testing. Allele origin: germline.
Comment: This sequence change replaces arginine, which is basic and polar, with glycine, which is neutral and non-polar, at codon 795 of the MYOM1 protein (p.Arg795Gly). This variant is present in population databases (rs201618512, gnomAD 0.007%). This variant has not been reported in the literature in individuals affected with MYOM1-related conditions. ClinVar contains an entry for this variant (Variation ID: 229019). An algorithm developed to predict the effect of missense changes on protein structure and function (PolyPhen-2) suggests that this variant is likely to be disruptive. Algorithms developed to predict the effect of sequence changes on RNA splicing suggest that this variant may disrupt the consensus splice site. In summary, the available evidence is currently insufficient to determine the role of this variant in disease. Therefore, it has been classified as a Variant of Uncertain Significance.

Ambry Genetics
Classification: Uncertain significance. Last evaluated: 2024-02-25. Review status: criteria provided, single submitter. Criteria: Ambry Variant Classification Scheme 2023. Collection method: clinical testing. Allele origin: germline.
Comment: The p.R795G variant (also known as c.2383C>G), located in coding exon 15 of the MYOM1 gene, results from a C to G substitution at nucleotide position 2383. The arginine at codon 795 is replaced by glycine, an amino acid with dissimilar properties. This amino acid position is conserved. In addition, this alteration is predicted to be deleterious by in silico analysis. Since supporting evidence is limited at this time, the clinical significance of this alteration remains unclear.

Laboratory for Molecular Medicine, Mass General Brigham Personalized Medicine
Classification: Uncertain significance. Last evaluated: 2015-08-06. Review status: criteria provided, single submitter. Criteria: LMM Criteria. Collection method: clinical testing. Allele origin: germline. Observed: 1 variant allele.
Comment: The p.Arg795Gly variant in MYOM1 has not been previously reported in individuals with cardiomyopathy, but has been identified in 1/65584 European chromosomes by the Exome Aggregation Consortium (ExAC; dbSNP r s201618512). Computational prediction tools and conservation analysis suggest th at the p.Arg795Gly variant may impact the protein, though this information is no t predictive enough to determine pathogenicity. This variant is located in the l ast three bases of the exon, which is part of the 3' splice region. Computationa l tools do not suggest an impact to splicing. However, this information is not p redictive enough to rule out pathogenicity. In summary, the clinical significan ce of the p.Arg795Gly variant is uncertain.